The following is an entry in ClinVar:

ClinVar aggregate classification (germline): Uncertain significance (1 of 4 stars; one submission).

Conditions:
Immunodeficiency 67. Also called: Immunodeficiency due to interleukin-1 receptor-associated kinase-4 deficiency. Identifiers: Orphanet 70592, MedGen C1843256, MONDO:0011888, OMIM 607676.

Allele frequency attached by ClinVar (database versions not stated): gnomAD exomes below 0.00001.
gnomAD v4.1: 1 of 1,613,430 alleles (0.000062%); highest among the groups gnomAD compares: South Asian, 0.0011%; no homozygotes.

Submission:

Labcorp Genetics (formerly Invitae), Labcorp
Classification: Uncertain significance for Immunodeficiency 67. Last evaluated: 2021-09-03. Review status: criteria provided, single submitter. Criteria: Invitae Variant Classification Sherloc (09022015). Collection method: clinical testing. Allele origin: germline.
Comment: In summary, the available evidence is currently insufficient to determine the role of this variant in disease. Therefore, it has been classified as a Variant of Uncertain Significance. Algorithms developed to predict the effect of missense changes on protein structure and function (SIFT, PolyPhen-2, Align-GVGD) all suggest that this variant is likely to be tolerated. This variant has not been reported in the literature in individuals affected with IRAK4-related conditions. This variant is not present in population databases (ExAC no frequency). This sequence change replaces glycine with arginine at codon 31 of the IRAK4 protein (p.Gly31Arg). The glycine residue is moderately conserved and there is a moderate physicochemical difference between glycine and arginine.

NM_016123.4(IRAK4):c.91G>A (p.Gly31Arg)

Gene: IRAK4 (interleukin 1 receptor associated kinase 4; plus strand). Cytogenetic location: 12q12.
Variant type: single nucleotide variant.
Coding change: c.91G>A on transcript NM_016123.4 (MANE Select); coding-DNA position 91, G replaced by A.
Protein change: p.Gly31Arg; replaces glycine 31 with arginine.
Molecular consequence: missense variant. On other transcripts: 5 prime UTR variant (8), intron variant (2).
Genome position (GRCh38, 1-based): chr12:43,768,202, G>A. VCF-style: chr12-43768202-G-A. GRCh37 (hg19) VCF-style: chr12-44162005-G-A.
Other names: c.91G>A, p.Gly31Arg (NM_001114182.3, NM_001351345.2); c.-136G>A (NM_001145256.2, NM_001145257.2, NM_001351338.2); c.-349G>A (NM_001351339.2, NM_001351340.2, NM_001351341.2); c.-287G>A (NM_001351343.2, NM_001351344.2); c.-278-2836G>A (NM_001351342.2); c.-65-3978G>A (NM_001145258.2); short protein forms G31R.
Identifiers: ClinVar variation 1379436 (VCV001379436.6), dbSNP rs2137901159, ClinGen allele CA384464519.
Genomic context (GRCh38, chr12:43,768,202, plus strand): 5'-GTGCGCTGCCTCAATGTTGGACTAATTAGGAAGCTGTCAGATTTTATTGATCCTCAAGAA[G>A]GATGGAAGAAGTTAGCTGTAGCTATTAAAAAACCATCTGGTGATGATAGATACAATCAGT-3'
Protein context (NP_057207.2, residues 21-41): KLSDFIDPQE[Gly31Arg]WKKLAVAIKK